The following is an entry in ClinVar:

NM_032221.5(CHD6):c.3813G>A (p.Glu1271=)

Gene: CHD6 (chromodomain helicase DNA binding protein 6; minus strand). Cytogenetic location: 20q12.
Variant type: single nucleotide variant.
Coding change: c.3813G>A on transcript NM_032221.5 (MANE Select); coding-DNA position 3813, G replaced by A.
Protein change: p.Glu1271=; no amino-acid change (glutamic acid 1271 retained).
Molecular consequence: synonymous variant.
Genome position (GRCh38, 1-based): chr20:41,445,729, C>T on the plus strand (G>A on the coding strand, the complement: CHD6 is on the minus strand). VCF-style: chr20-41445729-C-T. GRCh37 (hg19) VCF-style: chr20-40074369-C-T.
Identifiers: ClinVar variation 775648 (VCV000775648.5), dbSNP rs146549815, ClinGen allele CA9862623.

ClinVar aggregate classification (germline): Benign. Review status: criteria provided, multiple submitters, no conflicts (2 of 4 stars). 3 submissions from 3 submitters: Benign (3). Last evaluated 2026-07-01.

Allele frequency attached by ClinVar (database versions not stated): TOPMed 0.00106; ESP Exome Variant Server 0.00146; 1000 Genomes Project 0.00260; 1000 Genomes Project 30x 0.00265.
gnomAD v4.1: 2,603 of 1,613,774 alleles (0.16%); highest among the groups gnomAD compares: Middle Eastern, 1.4%; 43 homozygotes.

Submissions (3):

CeGaT Center for Human Genetics Tuebingen
Classification: Benign. Last evaluated: 2026-07-01. Review status: criteria provided, single submitter. Criteria: CeGaT Center For Human Genetics Tuebingen Variant Classification Criteria Version 2. Collection method: clinical testing. Allele origin: germline. Affected: yes. Observed: 1 variant allele.
Comment: CHD6: BP4, BP7, BS1, BS2

Labcorp Genetics (formerly Invitae), Labcorp
Classification: Benign. Last evaluated: 2018-03-29. Review status: criteria provided, single submitter. Criteria: Invitae Variant Classification Sherloc (09022015). Collection method: clinical testing. Allele origin: germline.

Breakthrough Genomics
Classification: Benign. Review status: criteria provided, single submitter. Criteria: ACMG Guidelines, 2015. Collection method: not provided. Allele origin: germline. Inheritance: Unknown mechanism. Affected: yes.